The following is an entry in ClinVar:

ClinVar aggregate classification (germline): Uncertain significance. Review status: criteria provided, multiple submitters, no conflicts (2 of 4 stars). 2 submissions from 2 submitters: Uncertain significance (2). Last evaluated 2025-03-10.

Conditions:
Familial meningioma. Also called: Meningioma, familial, susceptibility to. Identifiers: Orphanet 263662, MedGen C3551915, MONDO:0011789, OMIM 607174.
Hereditary cancer-predisposing syndrome. Also called: Neoplastic Syndromes, Hereditary; Tumor predisposition; Hereditary neoplastic syndrome; Hereditary Cancer Syndrome. Identifiers: Orphanet 140162, MedGen C0027672, MeSH D009386, MONDO:0015356.

Submissions (2):

Labcorp Genetics (formerly Invitae), Labcorp
Classification: Uncertain significance for Familial meningioma. Last evaluated: 2025-03-10. Review status: criteria provided, single submitter. Criteria: Invitae Variant Classification Sherloc (09022015). Collection method: clinical testing. Allele origin: germline.
Comment: This sequence change replaces threonine, which is neutral and polar, with serine, which is neutral and polar, at codon 363 of the SMARCE1 protein (p.Thr363Ser). This variant is not present in population databases (gnomAD no frequency). This variant has not been reported in the literature in individuals affected with SMARCE1-related conditions. ClinVar contains an entry for this variant (Variation ID: 3320843). Invitae Evidence Modeling of protein sequence and biophysical properties (such as structural, functional, and spatial information, amino acid conservation, physicochemical variation, residue mobility, and thermodynamic stability) indicates that this missense variant is not expected to disrupt SMARCE1 protein function with a negative predictive value of 80%. In summary, the available evidence is currently insufficient to determine the role of this variant in disease. Therefore, it has been classified as a Variant of Uncertain Significance.

Ambry Genetics
Classification: Uncertain significance for Hereditary cancer-predisposing syndrome. Last evaluated: 2024-05-30. Review status: criteria provided, single submitter. Criteria: Ambry Variant Classification Scheme 2023. Collection method: clinical testing. Allele origin: germline.
Comment: The p.T363S variant (also known as c.1087A>T), located in coding exon 10 of the SMARCE1 gene, results from an A to T substitution at nucleotide position 1087. The threonine at codon 363 is replaced by serine, an amino acid with similar properties. This amino acid position is conserved. In addition, this alteration is predicted to be tolerated by in silico analysis. Based on the available evidence, the clinical significance of this variant remains unclear.

NM_003079.5(SMARCE1):c.1087A>T (p.Thr363Ser)

Gene: SMARCE1 (SWI/SNF related BAF chromatin remodeling complex subunit E1; minus strand). Cytogenetic location: 17q21.2.
Variant type: single nucleotide variant.
Coding change: c.1087A>T on transcript NM_003079.5 (MANE Select); coding-DNA position 1087, A replaced by T.
Protein change: p.Thr363Ser; replaces threonine 363 with serine.
Molecular consequence: missense variant.
Genome position (GRCh38, 1-based): chr17:40,628,934, T>A on the plus strand (A>T on the coding strand, the complement: SMARCE1 is on the minus strand). VCF-style: chr17-40628934-T-A. GRCh37 (hg19) VCF-style: chr17-38785186-T-A.
Other names: short protein forms T363S.
Identifiers: ClinVar variation 3320843 (VCV003320843.2).